The following is an entry in ClinVar:

NM_000535.7(PMS2):c.1188G>A (p.Met396Ile)

Gene: PMS2 (PMS1 homolog 2, mismatch repair system component; minus strand). Cytogenetic location: 7p22.1.
Variant type: single nucleotide variant.
Coding change: c.1188G>A on transcript NM_000535.7 (MANE Select); coding-DNA position 1188, G replaced by A.
Protein change: p.Met396Ile; replaces methionine 396 with isoleucine.
Molecular consequence: missense variant. On other transcripts: non-coding transcript variant (1).
Genome position (GRCh38, 1-based): chr7:5,987,577, C>T on the plus strand (G>A on the coding strand, the complement: PMS2 is on the minus strand). VCF-style: chr7-5987577-C-T. GRCh37 (hg19) VCF-style: chr7-6027208-C-T.
Other names: c.870G>A, p.Met290Ile (NM_001322007.2, NM_001322008.2); c.783G>A, p.Met261Ile (NM_001322009.2, NM_001322003.2, NM_001322004.2 and 1 more transcripts); c.627G>A, p.Met209Ile (NM_001322010.2); c.255G>A, p.Met85Ile (NM_001322011.2, NM_001322012.2); c.615G>A, p.Met205Ile (NM_001322013.2); c.1188G>A, p.Met396Ile (NM_001322014.2); c.879G>A, p.Met293Ile (NM_001322015.2); c.1032G>A, p.Met344Ile (NM_001322006.2); and 1 more; short protein forms M205I, M209I, M261I, M290I, M293I, M344I, M396I, M85I.
Identifiers: ClinVar variation 1049924 (VCV001049924.7), dbSNP rs1170825702, ClinGen allele CA366742609.

ClinVar aggregate classification (germline): Uncertain significance. Review status: criteria provided, multiple submitters, no conflicts (2 of 4 stars). 3 submissions from 3 submitters: Uncertain significance (2). 1 of the submissions does not count toward it. Last evaluated 2024-12-20.

Conditions:
Hereditary nonpolyposis colorectal neoplasms. Identifiers: MedGen C0009405, MeSH D003123.
Hereditary cancer-predisposing syndrome. Also called: Tumor predisposition; Hereditary neoplastic syndrome; Hereditary Cancer Syndrome; Neoplastic Syndromes, Hereditary. Identifiers: Orphanet 140162, MedGen C0027672, MeSH D009386, MONDO:0015356.
Endometrial carcinoma. Also called: Endometrial carcinoma, somatic. Identifiers: MedGen C0476089, MONDO:0002447, OMIM 608089, HP:0012114.

Submissions (3):

Ambry Genetics
Classification: Uncertain significance for Hereditary cancer-predisposing syndrome. Last evaluated: 2024-12-20. Review status: criteria provided, single submitter. Criteria: Ambry Variant Classification Scheme 2023. Collection method: clinical testing. Allele origin: germline.
Comment: The p.M396I variant (also known as c.1188G>A), located in coding exon 11 of the PMS2 gene, results from a G to A substitution at nucleotide position 1188. The methionine at codon 396 is replaced by isoleucine, an amino acid with highly similar properties. This amino acid position is conserved. In addition, this alteration is predicted to be tolerated by in silico analysis. Based on the available evidence, the clinical significance of this variant remains unclear.

Labcorp Genetics (formerly Invitae), Labcorp
Classification: Uncertain significance for Hereditary nonpolyposis colorectal neoplasms. Last evaluated: 2022-02-25. Review status: criteria provided, single submitter. Criteria: Invitae Variant Classification Sherloc (09022015). Collection method: clinical testing. Allele origin: germline.
Comment: In summary, the available evidence is currently insufficient to determine the role of this variant in disease. Therefore, it has been classified as a Variant of Uncertain Significance. Advanced modeling of protein sequence and biophysical properties (such as structural, functional, and spatial information, amino acid conservation, physicochemical variation, residue mobility, and thermodynamic stability) performed at Invitae indicates that this missense variant is not expected to disrupt PMS2 protein function. ClinVar contains an entry for this variant (Variation ID: 1049924). This variant has not been reported in the literature in individuals affected with PMS2-related conditions. This variant is not present in population databases (gnomAD no frequency). This sequence change replaces methionine, which is neutral and non-polar, with isoleucine, which is neutral and non-polar, at codon 396 of the PMS2 protein (p.Met396Ile).

Department of Pathology and Laboratory Medicine, Sinai Health System
Classification: Likely benign for Endometrial carcinoma. Review status: no assertion criteria provided. Collection method: clinical testing. Allele origin: unknown. Affected: yes. Study: The Canadian Open Genetics Repository (COGR). Not counted in ClinVar's aggregate classification.
Comment: The PMS2 p.Met396Ile variant was not identified in the literature nor was it identified in the dbSNP, ClinVar, GeneInsight-COGR, COSMIC, MutDB, or Mismatch Repair Genes Variant databases. The variant was not identified in the following control databases: the 1000 Genomes Project, the NHLBI GO Exome Sequencing Project, the Exome Aggregation Consortium (August 8th 2016), or the Genome Aggregation Database (Feb 27, 2017). The p.Met396 residue is not conserved in mammals and computational analyses (PolyPhen-2, SIFT, AlignGVGD, BLOSUM, MutationTaster) do not suggest a high likelihood of impact to the protein; however, this information is not predictive enough to rule out pathogenicity. The variant occurs outside of the splicing consensus sequence and in silico or computational prediction software programs (SpliceSiteFinder, MaxEntScan, NNSPLICE, GeneSplicer) do not predict a difference in splicing. In summary, based on the above information the clinical significance of this variant cannot be determined with certainty at this time although we would lean towards a more benign role for this variant. This variant is classified as likely benign.